The following is an entry in ClinVar:

ClinVar aggregate classification (germline): Uncertain significance. Review status: criteria provided, multiple submitters, no conflicts (2 of 4 stars). 2 submissions from 2 submitters: Uncertain significance (2). Last evaluated 2023-06-22.

Conditions:
Hereditary nonpolyposis colorectal neoplasms. Identifiers: MedGen C0009405, MeSH D003123.
Hereditary cancer-predisposing syndrome. Also called: Hereditary Cancer Syndrome; Hereditary neoplastic syndrome; Neoplastic Syndromes, Hereditary; Tumor predisposition. Identifiers: Orphanet 140162, MedGen C0027672, MeSH D009386, MONDO:0015356.

Allele frequency attached by ClinVar (database versions not stated): gnomAD exomes below 0.00001.
gnomAD v4.1: 1 of 1,613,932 alleles (0.000062%); highest among the groups gnomAD compares: Non-Finnish European, 0.000085%; no homozygotes.

Submissions (2):

Labcorp Genetics (formerly Invitae), Labcorp
Classification: Uncertain significance for Hereditary nonpolyposis colorectal neoplasms. Last evaluated: 2023-06-22. Review status: criteria provided, single submitter. Criteria: Invitae Variant Classification Sherloc (09022015). Collection method: clinical testing. Allele origin: germline.
Comment: This sequence change replaces leucine, which is neutral and non-polar, with proline, which is neutral and non-polar, at codon 447 of the MSH6 protein (p.Leu447Pro). This variant is not present in population databases (gnomAD no frequency). This variant has not been reported in the literature in individuals affected with MSH6-related conditions. ClinVar contains an entry for this variant (Variation ID: 1770363). Advanced modeling of protein sequence and biophysical properties (such as structural, functional, and spatial information, amino acid conservation, physicochemical variation, residue mobility, and thermodynamic stability) performed at Invitae indicates that this missense variant is expected to disrupt MSH6 protein function. In summary, the available evidence is currently insufficient to determine the role of this variant in disease. Therefore, it has been classified as a Variant of Uncertain Significance.

Ambry Genetics
Classification: Uncertain significance for Hereditary cancer-predisposing syndrome. Last evaluated: 2023-05-21. Review status: criteria provided, single submitter. Criteria: Ambry Variant Classification Scheme 2023. Collection method: clinical testing. Allele origin: germline.
Comment: The p.L447P variant (also known as c.1340T>C), located in coding exon 4 of the MSH6 gene, results from a T to C substitution at nucleotide position 1340. The leucine at codon 447 is replaced by proline, an amino acid with similar properties. This amino acid position is well conserved in available vertebrate species. In addition, this alteration is predicted to be deleterious by in silico analysis. Since supporting evidence is limited at this time, the clinical significance of this alteration remains unclear.

NM_000179.3(MSH6):c.1340T>C (p.Leu447Pro)

Gene: MSH6 (mutS homolog 6; plus strand). Cytogenetic location: 2p16.3.
Variant type: single nucleotide variant.
Coding change: c.1340T>C on transcript NM_000179.3 (MANE Select); coding-DNA position 1340, T replaced by C.
Protein change: p.Leu447Pro; replaces leucine 447 with proline.
Molecular consequence: missense variant.
Genome position (GRCh38, 1-based): chr2:47,799,323, T>C. VCF-style: chr2-47799323-T-C. GRCh37 (hg19) VCF-style: chr2-48026462-T-C.
Other names: c.950T>C, p.Leu317Pro (NM_001281492.2); c.434T>C, p.Leu145Pro (NM_001281493.2, NM_001281494.2, NM_001406811.1 and 6 more transcripts); c.1436T>C, p.Leu479Pro (NM_001406795.1, NM_001406802.1); c.1340T>C, p.Leu447Pro (NM_001406796.1, NM_001406798.1, NM_001406800.1 and 4 more transcripts); c.1043T>C, p.Leu348Pro (NM_001406797.1, NM_001406801.1, NM_001406805.1 and 10 more transcripts); c.815T>C, p.Leu272Pro (NM_001406799.1, NM_001406806.1, NM_001406807.1); c.1262T>C, p.Leu421Pro (NM_001406804.1); c.1346T>C, p.Leu449Pro (NM_001406813.1); and 1 more; short protein forms L479P, L317P, L348P, L447P, L145P, L272P, L421P, L391P.
Identifiers: ClinVar variation 1770363 (VCV001770363.6), dbSNP rs1553412768, ClinGen allele CA346744585.